The following is an entry in ClinVar:

ClinVar aggregate classification (germline): Uncertain significance (1 of 4 stars; one submission).

Submission:

GeneDx
Classification: Uncertain significance. Last evaluated: 2023-11-10. Review status: criteria provided, single submitter. Criteria: GeneDx Variant Classification Process June 2021. Collection method: clinical testing. Allele origin: germline. Affected: yes.
Comment: Not observed at significant frequency in large population cohorts (gnomAD); In silico analysis supports that this missense variant has a deleterious effect on protein structure/function; Has not been previously published as pathogenic or benign to our knowledge

NM_002074.5(GNB1):c.497G>C (p.Cys166Ser)

Gene: GNB1 (G protein subunit beta 1; minus strand). Cytogenetic location: 1p36.33.
Variant type: single nucleotide variant.
Coding change: c.497G>C on transcript NM_002074.5 (MANE Select); coding-DNA position 497, G replaced by C.
Protein change: p.Cys166Ser; replaces cysteine 166 with serine.
Molecular consequence: missense variant.
Genome position (GRCh38, 1-based): chr1:1,793,245, C>G on the plus strand (G>C on the coding strand, the complement: GNB1 is on the minus strand). VCF-style: chr1-1793245-C-G. GRCh37 (hg19) VCF-style: chr1-1724684-C-G.
Other names: c.197G>C, p.Cys66Ser (NM_001282538.2); c.497G>C, p.Cys166Ser (NM_001282539.2); short protein forms C166S, C66S.
Identifiers: ClinVar variation 3363353 (VCV003363353.1).